The following is an entry in ClinVar:

NM_006904.7(PRKDC):c.3161T>A (p.Val1054Glu)

Gene: PRKDC (protein kinase, DNA-activated, catalytic subunit; minus strand). Cytogenetic location: 8q11.21.
Variant type: single nucleotide variant.
Coding change: c.3161T>A on transcript NM_006904.7 (MANE Select); coding-DNA position 3161, T replaced by A.
Protein change: p.Val1054Glu; replaces valine 1054 with glutamic acid.
Molecular consequence: missense variant.
Genome position (GRCh38, 1-based): chr8:47,902,677, A>T on the plus strand (T>A on the coding strand, the complement: PRKDC is on the minus strand). VCF-style: chr8-47902677-A-T. GRCh37 (hg19) VCF-style: chr8-48815237-A-T.
Other names: c.3161T>A, p.Val1054Glu (NM_001081640.2); short protein forms V1054E.
Identifiers: ClinVar variation 1728317 (VCV001728317.2), dbSNP rs2551875574, ClinGen allele CA371156902.

ClinVar aggregate classification (germline): Uncertain significance (1 of 4 stars; one submission).

Submission:

Ambry Genetics
Classification: Uncertain significance. Last evaluated: 2021-12-10. Review status: criteria provided, single submitter. Criteria: Ambry Variant Classification Scheme 2023. Collection method: clinical testing. Allele origin: germline.
Comment: The p.V1054E variant (also known as c.3161T>A), located in coding exon 27 of the PRKDC gene, results from a T to A substitution at nucleotide position 3161. The valine at codon 1054 is replaced by glutamic acid, an amino acid with dissimilar properties. This amino acid position is conserved. In addition, this alteration is predicted to be tolerated by in silico analysis. Since supporting evidence is limited at this time, the clinical significance of this alteration remains unclear.